The following is an entry in ClinVar:

NM_025099.6(CTC1):c.1283C>T (p.Ala428Val)

Gene: CTC1 (CST telomere replication complex component 1; minus strand). Cytogenetic location: 17p13.1.
Variant type: single nucleotide variant.
Coding change: c.1283C>T on transcript NM_025099.6 (MANE Select); coding-DNA position 1283, C replaced by T.
Protein change: p.Ala428Val; replaces alanine 428 with valine.
Molecular consequence: missense variant. On other transcripts: non-coding transcript variant (1).
Genome position (GRCh38, 1-based): chr17:8,235,209, G>A on the plus strand (C>T on the coding strand, the complement: CTC1 is on the minus strand). VCF-style: chr17-8235209-G-A. GRCh37 (hg19) VCF-style: chr17-8138527-G-A.
Other names: short protein forms A428V.
Identifiers: ClinVar variation 1507740 (VCV001507740.8), dbSNP rs2151520028, ClinGen allele CA397984840.

ClinVar aggregate classification (germline): Uncertain significance (1 of 4 stars; one submission).

Conditions:
Dyskeratosis congenita. Identifiers: Orphanet 1775, MedGen C0265965, MONDO:0015780.

Submission:

Labcorp Genetics (formerly Invitae), Labcorp
Classification: Uncertain significance for Dyskeratosis congenita. Last evaluated: 2020-12-21. Review status: criteria provided, single submitter. Criteria: Invitae Variant Classification Sherloc (09022015). Collection method: clinical testing. Allele origin: germline.
Comment: Algorithms developed to predict the effect of missense changes on protein structure and function are either unavailable or do not agree on the potential impact of this missense change (SIFT: "Tolerated"; PolyPhen-2: "Possibly Damaging"; Align-GVGD: "Class C0"). In summary, the available evidence is currently insufficient to determine the role of this variant in disease. Therefore, it has been classified as a Variant of Uncertain Significance. This variant has not been reported in the literature in individuals with CTC1-related conditions. This sequence change replaces alanine with valine at codon 428 of the CTC1 protein (p.Ala428Val). The alanine residue is moderately conserved and there is a small physicochemical difference between alanine and valine. This variant is not present in population databases (ExAC no frequency).